The following is an entry in ClinVar:

NM_031229.4(RBCK1):c.448C>T (p.Arg150Trp)

Gene: RBCK1 (RANBP2-type and C3HC4-type zinc finger containing 1; plus strand). Cytogenetic location: 20p13.
Variant type: single nucleotide variant.
Coding change: c.448C>T on transcript NM_031229.4 (MANE Select); coding-DNA position 448, C replaced by T.
Protein change: p.Arg150Trp; replaces arginine 150 with tryptophan.
Molecular consequence: missense variant. On other transcripts: synonymous variant (2), non-coding transcript variant (1).
Genome position (GRCh38, 1-based): chr20:417,918, C>T. VCF-style: chr20-417918-C-T. GRCh37 (hg19) VCF-style: chr20-398562-C-T.
Other names: c.99C>T, p.Cys33= (NM_001323956.2, NM_001323958.2); c.322C>T, p.Arg108Trp (NM_006462.6); short protein forms R150W, R108W.
Identifiers: ClinVar variation 850988 (VCV000850988.7), dbSNP rs778995926, ClinGen allele CA9723071.

ClinVar aggregate classification (germline): Uncertain significance (1 of 4 stars; one submission).

Conditions:
Polyglucosan body myopathy type 1 (PGBM1). Also called: Polyglucosan body myopathy 1 with or without immunodeficiency; POLYGLUCOSAN BODY MYOPATHY WITHOUT IMMUNODEFICIENCY. Identifiers: Orphanet 329173, Orphanet 397937, MedGen C4014605, MONDO:0014389, OMIM 615895.

Allele frequency attached by ClinVar (database versions not stated): ExAC 0.00002; gnomAD 0.00002; gnomAD exomes 0.00002 and 0.00005; TOPMed 0.00002.

Submission:

Labcorp Genetics (formerly Invitae), Labcorp
Classification: Uncertain significance for Polyglucosan body myopathy type 1. Last evaluated: 2024-05-29. Review status: criteria provided, single submitter. Criteria: Invitae Variant Classification Sherloc (09022015). Collection method: clinical testing. Allele origin: germline.
Comment: This sequence change replaces arginine, which is basic and polar, with tryptophan, which is neutral and slightly polar, at codon 150 of the RBCK1 protein (p.Arg150Trp). This variant is present in population databases (rs778995926, gnomAD 0.01%). This variant has not been reported in the literature in individuals affected with RBCK1-related conditions. ClinVar contains an entry for this variant (Variation ID: 850988). Advanced modeling of protein sequence and biophysical properties (such as structural, functional, and spatial information, amino acid conservation, physicochemical variation, residue mobility, and thermodynamic stability) performed at Invitae indicates that this missense variant is not expected to disrupt RBCK1 protein function with a negative predictive value of 80%. In summary, the available evidence is currently insufficient to determine the role of this variant in disease. Therefore, it has been classified as a Variant of Uncertain Significance.